The following is an entry in ClinVar:

NM_000371.4(TTR):c.340G>T (p.Val114Leu)

Gene: TTR (transthyretin; plus strand). Cytogenetic location: 18q12.1.
Variant type: single nucleotide variant.
Coding change: c.340G>T on transcript NM_000371.4 (MANE Select); coding-DNA position 340, G replaced by T.
Protein change: p.Val114Leu; replaces valine 114 with leucine.
Molecular consequence: missense variant.
Genome position (GRCh38, 1-based): chr18:31,598,571, G>T. VCF-style: chr18-31598571-G-T. GRCh37 (hg19) VCF-style: chr18-29178534-G-T.
Other names: c.340G>T (NM_000371.3); short protein forms V114L.
Identifiers: ClinVar variation 1358758 (VCV001358758.10), dbSNP rs2073528142, ClinGen allele CA402158121.

ClinVar aggregate classification (germline): Conflicting classifications of pathogenicity. Review status: criteria provided, conflicting classifications (1 of 4 stars). 2 submissions from 2 submitters: Pathogenic (1); Uncertain significance (1). Last evaluated 2025-12-19.

Conditions:
Amyloidosis, hereditary systemic 1 (AMYLD1). Also called: Hereditary oculoleptomeningeal amyloid angiopathy; Familial Transthyretin Amyloidosis; AMYLOID CARDIOMYOPATHY; Hereditary Transthyretin Amyloidosis; Familial amyloid polyneuropathy; Isolated Cardiac Amyloidosis. Identifiers: Orphanet 85447, Orphanet 85451, MedGen C2751492, MONDO:0971004, OMIM 105210.
Cardiovascular phenotype. Identifiers: MedGen CN230736.

Submissions (2):

Ambry Genetics
Classification: Uncertain significance for Cardiovascular phenotype. Last evaluated: 2025-12-19. Review status: criteria provided, single submitter. Criteria: Ambry Variant Classification Scheme 2023. Collection method: clinical testing. Allele origin: germline.
Comment: The p.V114L variant (also known as c.340G>T), located in coding exon 4 of the TTR gene, results from a G to T substitution at nucleotide position 340. The valine at codon 114 is replaced by leucine, an amino acid with highly similar properties. This variant was reported in individual(s) with features consistent with hereditary transthyretin-related amyloidosis, though clinical data were limited in some cases (Aimo A et al. Amyloid, 2024 Mar;31:52-61; Fumagalli C et al. Eur Heart J Qual Care Clin Outcomes, 2025 Nov;11:1015-1022; external communication). Note, this variant is also referred to as p.V94L in the literature. This amino acid position is well conserved in available vertebrate species. In addition, this alteration is predicted to be deleterious by in silico analysis. Based on the available evidence, the clinical significance of this variant remains unclear.

Labcorp Genetics (formerly Invitae), Labcorp
Classification: Pathogenic for Amyloidosis, hereditary systemic 1. Last evaluated: 2025-10-26. Review status: criteria provided, single submitter. Criteria: Invitae Variant Classification Sherloc (09022015). Collection method: clinical testing. Allele origin: germline.
Comment: This sequence change replaces valine, which is neutral and non-polar, with leucine, which is neutral and non-polar, at codon 114 of the TTR protein (p.Val114Leu). This variant is not present in population databases (gnomAD no frequency). This missense change has been observed in individual(s) with transthyretin amyloidosis (internal data). ClinVar contains an entry for this variant (Variation ID: 1358758). Invitae Evidence Modeling of protein sequence and biophysical properties (such as structural, functional, and spatial information, amino acid conservation, physicochemical variation, residue mobility, and thermodynamic stability) indicates that this missense variant is expected to disrupt TTR protein function with a positive predictive value of 95%. This variant disrupts the p.Val114 amino acid residue in TTR. Other variant(s) that disrupt this residue have been observed in individuals with TTR-related conditions (PMID: 17503405, 30243104), which suggests that this may be a clinically significant amino acid residue. For these reasons, this variant has been classified as Pathogenic.

Literature cited by the submitters: PubMed 37668548 (cited by Ambry Genetics); PubMed 40392964 (cited by Ambry Genetics); PubMed 17503405 (cited by Labcorp Genetics (formerly Invitae), Labcorp); PubMed 30243104 (cited by Labcorp Genetics (formerly Invitae), Labcorp).